The following continues an entry in ClinVar:

NM_000238.4(KCNH2):c.1838C>T (p.Thr613Met)

Gene: KCNH2. ClinVar aggregate classification (germline): Pathogenic/Likely pathogenic. Pathogenic (10); Likely pathogenic (2).

Submissions 9 to 13 of 13:

ARUP Laboratories, Molecular Genetics and Genomics, ARUP Laboratories
Classification: Pathogenic. Last evaluated: 2020-06-02. Review status: criteria provided, single submitter. Criteria: ARUP Molecular Germline Variant Investigation Process. Collection method: clinical testing. Allele origin: germline.
Comment: The KCNH2 c.1838C>T; p.Thr613Met variant (rs199473524) is reported in the literature in multiple individuals affected with long QT syndrome (Amirian 2018, Jongbloed 1999, Komiya 2004, Laitinen 2000, Miyake 2016, Simpson 2009). The variant was absent from the parents of at least three affected individuals, suggesting a de novo origin, with paternity and maternity demonstrated in at least one case (Amirian 2018, Laitinen 2000, Simpson 2009). This variant is absent from general population databases (Exome Variant Server, Genome Aggregation Database), indicating it is not a common polymorphism. The threonine at codon 613 is highly conserved, it occurs in functionally important pore helix domain, and functional studies suggest the variant protein is not properly trafficked to the cell membrane (Anderson 2014). Other missense variants within the pore helix domain (p.Tyr611His, p.Val612Leu, p.Ala614Val) have also been reported in individuals with long QT syndrome and are improperly trafficked in the cell (Anderson 2014, Jongbloed 1999). Based on available information, the p.Thr613Met variant is considered to be pathogenic. References: Amirian A et al. Molecular Analysis of KCNQ1, KCNH2 and SCN5A Genes in Iranian Patients with Long QT Syndrome. J Mol Genet Med 2018, 12:3. Anderson CL et al. Large-scale mutational analysis of Kv11.1 reveals molecular insights into type 2 long QT syndrome. Nat Commun. 2014 Nov 24;5:5535. Jongbloed RJ et al. Novel KCNQ1 and HERG missense mutations in Dutch long-QT families. Hum Mutat. 1999;13(4):301-10. Komiya N et al. A patient with LQTS in whom verapamil administration and permanent pacemaker implantation were useful for preventing torsade de pointes. Pacing Clin Electrophysiol. 2004 Jan;27(1):123-4. Laitinen P et al. Survey of the coding region of the HERG gene in long QT syndrome reveals six novel mutations and an amino acid polymorphism with possible phenotypic effects. Hum Mutat. 2000 Jun;15(6):580-1. Miyake A et al. Successful prenatal management of ventricular tachycardia and second-degree atrioventricular block in fetal long QT syndrome. HeartRhythm Case Rep. 2016 Sep 21;3(1):53-57. Simpson JM et al. Fetal ventricular tachycardia secondary to long QT syndrome treated with maternal intravenous magnesium: case report and review of the literature. Ultrasound Obstet Gynecol. 2009 Oct;34(4):475-80.

Centre for Mendelian Genomics, University Medical Centre Ljubljana
Classification: Pathogenic for Short QT syndrome type 1. Last evaluated: 2019-09-11. Review status: criteria provided, single submitter. Criteria: ACMG Guidelines, 2015. Collection method: clinical testing. Allele origin: unknown. Affected: yes.
Comment: This variant was classified as: Pathogenic. The following ACMG criteria were applied in classifying this variant: PS1,PM1,PM2,PP1,PP3.

Women's Health and Genetics/Laboratory Corporation of America, LabCorp
Classification: Pathogenic for Cardiovascular phenotype. Last evaluated: 2016-10-31. Review status: criteria provided, single submitter. Criteria: LabCorp Variant Classification Summary - May 2015. Collection method: clinical testing. Allele origin: germline.
Comment: Variant summary: The c.1838C>T (p.Thr613Met) in KCNH2 gene is a missense change that alters a highly conserved nucleotide and 5/5 in silico tools predict neutral outcome. The variant located in the pore region and several alterations of neighboring codons have been identified in LQTS pts. The variant was not observed in the large cohort of the ExAC project. The variant has been reported in multiple affected individuals with confirmed dx of LQTS and has it been cited as Likely Pathogenic/Pathogenic by several reputable databases/clinical laboratories. Taking together, the variant of interest was classified as Pathogenic.

Stanford Center for Inherited Cardiovascular Disease, Stanford University
Classification: Likely pathogenic. Last evaluated: 2015-06-02. Review status: criteria provided, single submitter. Criteria: ACMG Guidelines, 2015. Collection method: provider interpretation. Allele origin: germline.

Cardiovascular Biomedical Research Unit, Royal Brompton & Harefield NHS Foundation Trust
No classification provided. Condition: Familial long QT syndrome. Review status: no classification provided. Collection method: literature only. Allele origin: germline. Not counted in ClinVar's aggregate classification.
Comment: This variant has been reported as associated with Long QT syndrome in the following publications (PMID:10220144;PMID:10862094;PMID:10973849;PMID:11222472;PMID:11854117;PMID:12566525;PMID:14998624;PMID:15466642;PMID:15840476;PMID:16379539;PMID:16922724;PMID:17224687;PMID:18441445;PMID:19716085;PMID:19731233;PMID:19841300;PMID:22402334). This is a literature report, and does not necessarily reflect the clinical interpretation of the Imperial College / Royal Brompton Cardiovascular Genetics laboratory.

Literature cited by the submitters: PubMed 10220144 (cited by 3 submitters); PubMed 10862094 (cited by 3 submitters); PubMed 10973849 (cited by 3 submitters); PubMed 14720170 (cited by Labcorp Genetics (formerly Invitae), Labcorp); PubMed 14998624 (cited by 3 submitters); PubMed 18441445 (cited by Labcorp Genetics (formerly Invitae), Labcorp and Cardiovascular Biomedical Research Unit, Royal Brompton & Harefield NHS Foundation Trust); PubMed 19731233 (cited by 4 submitters); PubMed 22402334 (cited by 4 submitters); PubMed 22949429 (cited by Labcorp Genetics (formerly Invitae), Labcorp and Women's Health and Genetics/Laboratory Corporation of America, LabCorp); PubMed 11524404 (cited by Labcorp Genetics (formerly Invitae), Labcorp and Ambry Genetics); PubMed 25417810 (cited by Labcorp Genetics (formerly Invitae), Labcorp and Ambry Genetics); PubMed 30036649 (cited by Dasa); PubMed 24973560 (cited by Ambry Genetics); PubMed 21350584 (cited by Women's Health and Genetics/Laboratory Corporation of America, LabCorp); PubMed 26496715 (cited by Women's Health and Genetics/Laboratory Corporation of America, LabCorp); PubMed 23631430 (cited by Women's Health and Genetics/Laboratory Corporation of America, LabCorp); PubMed 11222472 (cited by Women's Health and Genetics/Laboratory Corporation of America, LabCorp and Cardiovascular Biomedical Research Unit, Royal Brompton & Harefield NHS Foundation Trust); PubMed 12402336 (cited by Women's Health and Genetics/Laboratory Corporation of America, LabCorp); PubMed 11854117 (cited by Cardiovascular Biomedical Research Unit, Royal Brompton & Harefield NHS Foundation Trust); PubMed 12566525 (cited by Cardiovascular Biomedical Research Unit, Royal Brompton & Harefield NHS Foundation Trust); PubMed 15466642 (cited by Cardiovascular Biomedical Research Unit, Royal Brompton & Harefield NHS Foundation Trust); PubMed 15840476 (cited by Cardiovascular Biomedical Research Unit, Royal Brompton & Harefield NHS Foundation Trust); PubMed 16379539 (cited by Cardiovascular Biomedical Research Unit, Royal Brompton & Harefield NHS Foundation Trust); PubMed 16922724 (cited by Cardiovascular Biomedical Research Unit, Royal Brompton & Harefield NHS Foundation Trust); PubMed 17224687 (cited by Cardiovascular Biomedical Research Unit, Royal Brompton & Harefield NHS Foundation Trust); PubMed 19716085 (cited by Cardiovascular Biomedical Research Unit, Royal Brompton & Harefield NHS Foundation Trust); PubMed 19841300 (cited by Cardiovascular Biomedical Research Unit, Royal Brompton & Harefield NHS Foundation Trust); PubMed 22581653 (cited by Cardiovascular Biomedical Research Unit, Royal Brompton & Harefield NHS Foundation Trust).